The following is an entry in ClinVar:

NM_021930.6(RINT1):c.1757C>G (p.Ser586Cys)

Gene: RINT1 (RAD50 interactor 1; plus strand). Cytogenetic location: 7q22.3.
Variant type: single nucleotide variant.
Coding change: c.1757C>G on transcript NM_021930.6 (MANE Select); coding-DNA position 1757, C replaced by G.
Protein change: p.Ser586Cys; replaces serine 586 with cysteine.
Molecular consequence: missense variant. On other transcripts: non-coding transcript variant (1).
Genome position (GRCh38, 1-based): chr7:105,563,818, C>G. VCF-style: chr7-105563818-C-G. GRCh37 (hg19) VCF-style: chr7-105204265-C-G.
Other names: c.1523C>G, p.Ser508Cys (NM_001346599.2); c.734C>G, p.Ser245Cys (NM_001346600.2, NM_001346603.2); c.833C>G, p.Ser278Cys (NM_001346601.2); short protein forms S278C, S508C, S245C, S586C.
Identifiers: ClinVar variation 1417125 (VCV001417125.10), dbSNP rs142797410, ClinGen allele CA164066562.

ClinVar aggregate classification (germline): Uncertain significance. Review status: criteria provided, multiple submitters, no conflicts (2 of 4 stars). 2 submissions from 2 submitters: Uncertain significance (2). Last evaluated 2024-03-14.

Allele frequency attached by ClinVar (database versions not stated): gnomAD exomes below 0.00001; gnomAD 0.00001; TOPMed 0.00001; ESP Exome Variant Server 0.00008.
gnomAD v4.1: 4 of 1,613,852 alleles (0.00025%); highest among the groups gnomAD compares: African/African-American, 0.004%; no homozygotes.

Submissions (2):

Ambry Genetics
Classification: Uncertain significance. Last evaluated: 2024-03-14. Review status: criteria provided, single submitter. Criteria: Ambry Variant Classification Scheme 2023. Collection method: clinical testing. Allele origin: germline.
Comment: The p.S586C variant (also known as c.1757C>G), located in coding exon 12 of the RINT1 gene, results from a C to G substitution at nucleotide position 1757. The serine at codon 586 is replaced by cysteine, an amino acid with dissimilar properties. This amino acid position is conserved. In addition, the in silico prediction for this alteration is inconclusive. Since supporting evidence is limited at this time, the clinical significance of this alteration remains unclear.

Labcorp Genetics (formerly Invitae), Labcorp
Classification: Uncertain significance. Last evaluated: 2022-07-25. Review status: criteria provided, single submitter. Criteria: Invitae Variant Classification Sherloc (09022015). Collection method: clinical testing. Allele origin: germline.
Comment: In summary, the available evidence is currently insufficient to determine the role of this variant in disease. Therefore, it has been classified as a Variant of Uncertain Significance. Algorithms developed to predict the effect of sequence changes on RNA splicing suggest that this variant may create or strengthen a splice site. Algorithms developed to predict the effect of missense changes on protein structure and function are either unavailable or do not agree on the potential impact of this missense change (SIFT: "Deleterious"; PolyPhen-2: "Benign"; Align-GVGD: "Class C0"). ClinVar contains an entry for this variant (Variation ID: 1417125). This variant has not been reported in the literature in individuals affected with RINT1-related conditions. This variant is not present in population databases (gnomAD no frequency). This sequence change replaces serine, which is neutral and polar, with cysteine, which is neutral and slightly polar, at codon 586 of the RINT1 protein (p.Ser586Cys).